The following is an entry in ClinVar:

ClinVar aggregate classification (germline): Pathogenic (0 of 4 stars; one submission).

Conditions:
Charcot-Marie-Tooth disease type 4H (CMT4H). Also called: CHARCOT-MARIE-TOOTH DISEASE, AUTOSOMAL RECESSIVE, TYPE 4H; CHARCOT-MARIE-TOOTH DISEASE, DEMYELINATING, AUTOSOMAL RECESSIVE, TYPE 4H; CHARCOT-MARIE-TOOTH NEUROPATHY, TYPE 4H; CHARCOT-MARIE-TOOTH DISEASE, DEMYELINATING, TYPE 4H. Identifiers: Orphanet 99954, MedGen C1836336, MONDO:0012250, OMIM 609311.

Submission:

Unit of Genetics and Genomics of Neuromuscular Diseases, Principe Felipe Research Center
Classification: Pathogenic for Charcot-Marie-Tooth disease, type 4H. Last evaluated: 2018-11-30. Review status: no assertion criteria provided. Collection method: clinical testing. Allele origin: germline. Inheritance: Autosomal recessive inheritance. Affected: yes. Observed: 2 variant alleles, 2 compound heterozygotes. Clinical features observed: Demyelinating peripheral neuropathy (HP:0007108), Abnormal peripheral nervous system morphology (HP:0000759).
Comment: The variant NM_139241.2:c.514delG is predicted to generate a truncated protein (p.A172Gfs*28), and it has been identified in compound heterozygosity with a second frameshift variant (p.A738Sfs*5).

NM_001370298.3(FGD4):c.925del (p.Ala309fs)

Gene: FGD4 (FYVE, RhoGEF and PH domain containing 4; plus strand). Cytogenetic location: 12p11.21.
Variant type: Deletion.
Coding change: c.925del on transcript NM_001370298.3 (MANE Select); coding-DNA position 925, one base deleted (G; older notation c.925delG).
Protein change: p.Ala309fs; shifts the reading frame from alanine 309.
Molecular consequence: frameshift variant. On other transcripts: 5 prime UTR variant (2), non-coding transcript variant (1), intron variant (1).
Genome position (GRCh38, 1-based): chr12:32,582,381, G deleted; the last of 4 consecutive G bases (chr12:32,582,378-32,582,381); deleting any one gives the same sequence. VCF-style (leftmost placement, unchanged base first): chr12-32582377-AG-A. GRCh37 (hg19) VCF-style: chr12-32735311-AG-A.
Other names: c.769delG, p.Ala257Glnfs (NM_001304481.2); c.-331del (NM_001304483.2); c.-638del (NM_001304484.2); c.235del, p.Ala79fs (NM_001330373.2, NM_001330374.2, NM_001384130.1); c.925del, p.Ala309fs (NM_001384126.1); c.514del, p.Ala172fs (NM_001384127.1, NM_001384128.1, NM_001384131.1 and 3 more transcripts); c.49-16116del (NM_001370297.1); short protein forms A257fs, A79fs, A172fs, A309fs.
Identifiers: ClinVar variation 598938 (VCV000598938.4), dbSNP rs1565869918, ClinGen allele CA913190935.